The following is an entry in ClinVar:

ClinVar aggregate classification (germline): Uncertain significance (1 of 4 stars; one submission).

Allele frequency attached by ClinVar (database versions not stated): gnomAD 0.00001; gnomAD exomes 0.00001; TOPMed 0.00001.
gnomAD v4.1: 10 of 1,613,804 alleles (0.00062%); highest among the groups gnomAD compares: Non-Finnish European, 0.00085%; no homozygotes.

Submission:

Labcorp Genetics (formerly Invitae), Labcorp
Classification: Uncertain significance. Last evaluated: 2025-03-17. Review status: criteria provided, single submitter. Criteria: Invitae Variant Classification Sherloc (09022015). Collection method: clinical testing. Allele origin: germline.
Comment: This sequence change replaces proline, which is neutral and non-polar, with alanine, which is neutral and non-polar, at codon 272 of the PCDH15 protein (p.Pro272Ala). The frequency data for this variant in the population databases is considered unreliable, as metrics indicate poor data quality at this position in the gnomAD database. This variant has not been reported in the literature in individuals affected with PCDH15-related conditions. ClinVar contains an entry for this variant (Variation ID: 1002788). Invitae Evidence Modeling of protein sequence and biophysical properties (such as structural, functional, and spatial information, amino acid conservation, physicochemical variation, residue mobility, and thermodynamic stability) indicates that this missense variant is not expected to disrupt PCDH15 protein function with a negative predictive value of 95%. In summary, the available evidence is currently insufficient to determine the role of this variant in disease. Therefore, it has been classified as a Variant of Uncertain Significance.

NM_001384140.1(PCDH15):c.814C>G (p.Pro272Ala)

Gene: PCDH15 (protocadherin related 15; minus strand). Cytogenetic location: 10q21.1.
Variant type: single nucleotide variant.
Coding change: c.814C>G on transcript NM_001384140.1 (MANE Select); coding-DNA position 814, C replaced by G.
Protein change: p.Pro272Ala; replaces proline 272 with alanine.
Molecular consequence: missense variant.
Genome position (GRCh38, 1-based): chr10:54,317,333, G>C on the plus strand (C>G on the coding strand, the complement: PCDH15 is on the minus strand). VCF-style: chr10-54317333-G-C. GRCh37 (hg19) VCF-style: chr10-56077093-G-C.
Other names: c.829C>G, p.Pro277Ala (NM_001142763.2, NM_001142769.4, NM_001142771.2); c.814C>G, p.Pro272Ala (NM_001142764.2, NM_001142765.2, NM_001142766.2 and 7 more transcripts); c.703C>G, p.Pro235Ala (NM_001142767.2); c.748C>G, p.Pro250Ala (NM_001142768.2, NM_001142773.2, NM_001354404.2); short protein forms P235A, P250A, P272A, P277A.
Identifiers: ClinVar variation 1002788 (VCV001002788.8), dbSNP rs1380529068, ClinGen allele CA376540882.